The following is an entry in ClinVar:

NM_000093.5(COL5A1):c.3065C>T (p.Pro1022Leu)

Gene: COL5A1 (collagen type V alpha 1 chain; plus strand). Cytogenetic location: 9q34.3.
Variant type: single nucleotide variant.
Coding change: c.3065C>T on transcript NM_000093.5 (MANE Select); coding-DNA position 3065, C replaced by T.
Protein change: p.Pro1022Leu; replaces proline 1022 with leucine.
Molecular consequence: missense variant.
Genome position (GRCh38, 1-based): chr9:134,802,946, C>T. VCF-style: chr9-134802946-C-T. GRCh37 (hg19) VCF-style: chr9-137694792-C-T.
Other names: c.3065C>T, p.Pro1022Leu (NM_001278074.1); short protein forms P1022L.
Identifiers: ClinVar variation 4232336 (VCV004232336.1).
Genomic context (GRCh38, chr9:134,802,946, plus strand): 5'-AGGGTCCCACGGGAGAAACGGGCCCAATGGGTGAGCGTGGCCACCCTGGGCCCCCTGGAC[C>T]CCCCGGTGAACAGGGGCTTCCGGGCCTTGCTGGAAAAGAAGGGACGAAGGTGAGTTTCTG-3'
Protein context (NP_000084.3, residues 1012-1032): GERGHPGPPG[Pro1022Leu]PGEQGLPGLA

ClinVar aggregate classification (germline): Uncertain significance (1 of 4 stars; one submission).

Conditions:
Familial thoracic aortic aneurysm and aortic dissection (TAAD). Also called: Thoracic aortic aneurysms and dissections. Identifiers: Orphanet 91387, MedGen C4707243, MONDO:0019625.

gnomAD v4.1: 2 of 1,611,336 alleles (0.00012%); highest among the groups gnomAD compares: South Asian, 0.0011%; no homozygotes.

Submission:

Ambry Genetics
Classification: Uncertain significance for Familial thoracic aortic aneurysm and aortic dissection. Last evaluated: 2025-08-08. Review status: criteria provided, single submitter. Criteria: Ambry Variant Classification Scheme 2023. Collection method: clinical testing. Allele origin: germline.
Comment: The p.P1022L variant (also known as c.3065C>T), located in coding exon 39 of the COL5A1 gene, results from a C to T substitution at nucleotide position 3065. The proline at codon 1022 is replaced by leucine, an amino acid with similar properties. This amino acid position is highly conserved in available vertebrate species. In addition, the in silico prediction for this alteration is inconclusive. Based on the available evidence, the clinical significance of this variant remains unclear.